The following is an entry in ClinVar:

NM_000038.6(APC):c.2278C>G (p.Leu760Val)

Gene: APC (APC regulator of Wnt signaling pathway; plus strand). Cytogenetic location: 5q22.2.
Variant type: single nucleotide variant.
Coding change: c.2278C>G on transcript NM_000038.6 (MANE Select); coding-DNA position 2278, C replaced by G.
Protein change: p.Leu760Val; replaces leucine 760 with valine.
Molecular consequence: missense variant. On other transcripts: non-coding transcript variant (2).
Genome position (GRCh38, 1-based): chr5:112,837,872, C>G. VCF-style: chr5-112837872-C-G. GRCh37 (hg19) VCF-style: chr5-112173569-C-G.
Other names: c.2278C>G, p.Leu760Val (NM_001127510.3, NM_001354895.2, NM_001407450.1); c.2224C>G, p.Leu742Val (NM_001127511.3); c.2332C>G, p.Leu778Val (NM_001354896.2, NM_001407447.1, NM_001407448.1 and 1 more transcripts); c.2308C>G, p.Leu770Val (NM_001354897.2); c.2203C>G, p.Leu735Val (NM_001354898.2); c.2194C>G, p.Leu732Val (NM_001354899.2); c.2155C>G, p.Leu719Val (NM_001354900.2); c.2101C>G, p.Leu701Val (NM_001354901.2, NM_001407453.1); and 11 more; short protein forms L659V, L677V, L732V, L742V, L735V, L477V, L600V, L631V.
Identifiers: ClinVar variation 4737809 (VCV004737809.1).

ClinVar aggregate classification (germline): Uncertain significance (1 of 4 stars; one submission).

Conditions:
Familial adenomatous polyposis 1 (FAP1). Also called: FAMILIAL ADENOMATOUS POLYPOSIS 1, ATTENUATED; POLYPOSIS, ADENOMATOUS INTESTINAL. Identifiers: MedGen C2713442, MONDO:0021056, OMIM 175100. Disease mechanism: loss of function.

Submission:

Labcorp Genetics (formerly Invitae), Labcorp
Classification: Uncertain significance for Familial adenomatous polyposis 1. Last evaluated: 2025-07-13. Review status: criteria provided, single submitter. Criteria: Invitae Variant Classification Sherloc (09022015). Collection method: clinical testing. Allele origin: germline.
Comment: This sequence change replaces leucine, which is neutral and non-polar, with valine, which is neutral and non-polar, at codon 760 of the APC protein (p.Leu760Val). This variant is not present in population databases (gnomAD no frequency). This variant has not been reported in the literature in individuals affected with APC-related conditions. Invitae Evidence Modeling of protein sequence and biophysical properties (such as structural, functional, and spatial information, amino acid conservation, physicochemical variation, residue mobility, and thermodynamic stability) indicates that this missense variant is not expected to disrupt APC protein function with a negative predictive value of 95%. In summary, the available evidence is currently insufficient to determine the role of this variant in disease. Therefore, it has been classified as a Variant of Uncertain Significance.